The following is an entry in ClinVar:

ClinVar aggregate classification (germline): Likely benign (0 of 4 stars; one submission).

Conditions:
PLXNB1-related disorder. Also called: PLXNB1-related condition.

Allele frequency attached by ClinVar (database versions not stated): gnomAD 0.00007; gnomAD exomes 0.00007; TOPMed 0.00008; ExAC 0.00017.
gnomAD v4.1: 108 of 1,589,394 alleles (0.0068%); highest among the groups gnomAD compares: Admixed American, 0.03%; no homozygotes.

Submission:

PreventionGenetics, part of Exact Sciences
Classification: Likely benign for PLXNB1-related condition. Last evaluated: 2019-05-28. Review status: no assertion criteria provided. Collection method: clinical testing. Allele origin: germline.
Comment: This variant is classified as likely benign based on ACMG/AMP sequence variant interpretation guidelines (Richards et al. 2015 PMID: 25741868, with internal and published modifications).

NM_001130082.3(PLXNB1):c.2475C>T (p.Ala825=)

Gene: PLXNB1 (plexin B1; minus strand). Cytogenetic location: 3p21.31.
Variant type: single nucleotide variant.
Coding change: c.2475C>T on transcript NM_001130082.3 (MANE Select); coding-DNA position 2475, C replaced by T.
Protein change: p.Ala825=; no amino-acid change (alanine 825 retained).
Molecular consequence: synonymous variant.
Genome position (GRCh38, 1-based): chr3:48,419,811, G>A on the plus strand (C>T on the coding strand, the complement: PLXNB1 is on the minus strand). VCF-style: chr3-48419811-G-A. GRCh37 (hg19) VCF-style: chr3-48461220-G-A.
Other names: c.2475C>T, p.Ala825= (NM_002673.6).
Identifiers: ClinVar variation 3038675 (VCV003038675.2), dbSNP rs768025873, ClinGen allele CA2374820.
Genomic context (GRCh38, chr3:48,419,811, plus strand): 5'-TTCTCTCGTGAGCCAGTCCAGGGCGGGCTTCACGGAGCCCATGGCCCCTGGGAAAGTGGT[G>A]GCAGGAACAGTGGCAGGGGGCAGGTCCAGGGGCACTGTGGGATGAAGAGCCTCGGGGCCA-3'
Protein context (NP_001123554.1, residues 815-835): PLDLPPATVP[Ala825=]TTFPGAMGSV